The following is an entry in ClinVar:

NM_005245.4(FAT1):c.10310C>T (p.Ala3437Val)

Gene: FAT1 (FAT atypical cadherin 1; minus strand). Cytogenetic location: 4q35.2.
Variant type: single nucleotide variant.
Coding change: c.10310C>T on transcript NM_005245.4 (MANE Select); coding-DNA position 10310, C replaced by T.
Protein change: p.Ala3437Val; replaces alanine 3437 with valine.
Molecular consequence: missense variant.
Genome position (GRCh38, 1-based): chr4:186,606,110, G>A on the plus strand (C>T on the coding strand, the complement: FAT1 is on the minus strand). VCF-style: chr4-186606110-G-A. GRCh37 (hg19) VCF-style: chr4-187527264-G-A.
Other names: short protein forms A3437V.
Identifiers: ClinVar variation 2628842 (VCV002628842.1), dbSNP rs754008095, ClinGen allele CA3165400.
Genomic context (GRCh38, chr4:186,606,110, plus strand): 5'-CCTTGGCACTCGAAGCCCACCTGGATAATGACACTGTAGTTTCCCCTGGAGAAGACGGGC[G>A]CGTTGTCATTGACATCGGACACATCGATGTTCACGGTCGTCGTGTTGACTCTGGGTGGAC-3'
Protein context (NP_005236.2, residues 3427-3447): NIDVSDVNDN[Ala3437Val]PVFSRGNYSV

ClinVar aggregate classification (germline): Uncertain significance (1 of 4 stars; one submission).

Conditions:
FAT1-related disorder. Also called: FAT1-related condition.

Allele frequency attached by ClinVar (database versions not stated): TOPMed 0.00003; gnomAD 0.00005; 1000 Genomes Project 30x 0.00016.
gnomAD v4.1: 54 of 1,613,208 alleles (0.0033%); highest among the groups gnomAD compares: South Asian, 0.0077%; no homozygotes.

Submission:

PreventionGenetics, part of Exact Sciences
Classification: Uncertain significance for FAT1-related condition. Last evaluated: 2022-12-19. Review status: criteria provided, single submitter. Criteria: ACMG Guidelines, 2015. Collection method: clinical testing. Allele origin: germline.
Comment: The FAT1 c.10310C>T variant is predicted to result in the amino acid substitution p.Ala3437Val. To our knowledge, this variant has not been reported in the literature. This variant is reported in 0.0065% of alleles in individuals of South Asian descent in gnomAD. At this time, the clinical significance of this variant is uncertain due to the absence of conclusive functional and genetic evidence.